The following is an entry in ClinVar:

ClinVar aggregate classification (germline): Uncertain significance (1 of 4 stars; one submission).

Allele frequency attached by ClinVar (database versions not stated): TOPMed below 0.00001; gnomAD exomes 0.00001.
gnomAD v4.1: 4 of 1,567,928 alleles (0.00026%); highest among the groups gnomAD compares: Admixed American, 0.0019%; no homozygotes.

Submission:

Labcorp Genetics (formerly Invitae), Labcorp
Classification: Uncertain significance. Last evaluated: 2022-06-08. Review status: criteria provided, single submitter. Criteria: Invitae Variant Classification Sherloc (09022015). Collection method: clinical testing. Allele origin: germline.
Comment: Variants that disrupt the consensus splice site are a relatively common cause of aberrant splicing (PMID: 17576681, 9536098). Algorithms developed to predict the effect of sequence changes on RNA splicing suggest that this variant is not likely to affect RNA splicing. In summary, the available evidence is currently insufficient to determine the role of this variant in disease. Therefore, it has been classified as a Variant of Uncertain Significance. This variant has not been reported in the literature in individuals affected with VAV1-related conditions. This variant is not present in population databases (gnomAD no frequency). This sequence change falls in intron 5 of the VAV1 gene. It does not directly change the encoded amino acid sequence of the VAV1 protein. It affects a nucleotide within the consensus splice site.

Literature cited by the submitters: PubMed 17576681; PubMed 9536098.

NM_005428.4(VAV1):c.558+6T>C

Gene: VAV1 (vav guanine nucleotide exchange factor 1; plus strand). Cytogenetic location: 19p13.3.
Variant type: single nucleotide variant.
Coding change: c.558+6T>C on transcript NM_005428.4 (MANE Select); 6 bases into the intron after coding-DNA position 558, T replaced by C.
Molecular consequence: intron variant.
Genome position (GRCh38, 1-based): chr19:6,822,335, T>C. VCF-style: chr19-6822335-T-C. GRCh37 (hg19) VCF-style: chr19-6822346-T-C.
Other names: c.558+6T>C (NM_001258206.2, NM_001258207.2).
Identifiers: ClinVar variation 2111401 (VCV002111401.4), dbSNP rs777010837, ClinGen allele CA9132263.